The following is an entry in ClinVar:

NM_152722.5(HEPACAM):c.1178G>T (p.Arg393Leu)

Gene: HEPACAM (hepatic and glial cell adhesion molecule; minus strand). Cytogenetic location: 11q24.2.
Variant type: single nucleotide variant.
Coding change: c.1178G>T on transcript NM_152722.5 (MANE Select); coding-DNA position 1178, G replaced by T.
Protein change: p.Arg393Leu; replaces arginine 393 with leucine.
Molecular consequence: missense variant.
Genome position (GRCh38, 1-based): chr11:124,921,211, C>A on the plus strand (G>T on the coding strand, the complement: HEPACAM is on the minus strand). VCF-style: chr11-124921211-C-A. GRCh37 (hg19) VCF-style: chr11-124791107-C-A.
Other names: c.1334G>T, p.Arg445Leu (NM_001411043.1); short protein forms R393L, R445L.
Identifiers: ClinVar variation 4034621 (VCV004034621.2).

ClinVar aggregate classification (germline): Uncertain significance. Review status: criteria provided, multiple submitters, no conflicts (2 of 4 stars). 2 submissions from 2 submitters: Uncertain significance (2). Last evaluated 2025-06-07.

Conditions:
Inborn genetic diseases. Identifiers: MedGen C0950123, MeSH D030342.

gnomAD v4.1: 10 of 1,485,640 alleles (0.00067%); highest among the groups gnomAD compares: Non-Finnish European, 0.00089%; no homozygotes.

Submissions (2):

Ambry Genetics
Classification: Uncertain significance for Inborn genetic diseases. Last evaluated: 2025-06-07. Review status: criteria provided, single submitter. Criteria: Ambry Variant Classification Scheme 2023. Collection method: clinical testing. Allele origin: germline.

Labcorp Genetics (formerly Invitae), Labcorp
Classification: Uncertain significance. Last evaluated: 2025-04-23. Review status: criteria provided, single submitter. Criteria: Invitae Variant Classification Sherloc (09022015). Collection method: clinical testing. Allele origin: germline.
Comment: This sequence change replaces arginine, which is basic and polar, with leucine, which is neutral and non-polar, at codon 393 of the HEPACAM protein (p.Arg393Leu). This variant is not present in population databases (gnomAD no frequency). This variant has not been reported in the literature in individuals affected with HEPACAM-related conditions. Invitae Evidence Modeling of protein sequence and biophysical properties (such as structural, functional, and spatial information, amino acid conservation, physicochemical variation, residue mobility, and thermodynamic stability) has been performed for this missense variant. However, the output from this modeling did not meet the statistical confidence thresholds required to predict the impact of this variant on HEPACAM protein function. In summary, the available evidence is currently insufficient to determine the role of this variant in disease. Therefore, it has been classified as a Variant of Uncertain Significance.